The following is an entry in ClinVar:

ClinVar aggregate classification (germline): Uncertain significance. Review status: criteria provided, multiple submitters, no conflicts (2 of 4 stars). 2 submissions from 2 submitters: Uncertain significance (2). Last evaluated 2026-03-12.

Conditions:
Hereditary cancer-predisposing syndrome. Also called: Neoplastic Syndromes, Hereditary; Tumor predisposition; Hereditary Cancer Syndrome; Hereditary neoplastic syndrome. Identifiers: Orphanet 140162, MedGen C0027672, MeSH D009386, MONDO:0015356.

Submissions (2):

Ambry Genetics
Classification: Uncertain significance for Hereditary cancer-predisposing syndrome. Last evaluated: 2026-03-12. Review status: criteria provided, single submitter. Criteria: Ambry Variant Classification Scheme 2023. Collection method: clinical testing. Allele origin: germline.
Comment: The p.L31I variant (also known as c.91C>A), located in coding exon 1 of the RAD50 gene, results from a C to A substitution at nucleotide position 91. The leucine at codon 31 is replaced by isoleucine, an amino acid with highly similar properties. This amino acid position is conserved. In addition, this alteration is predicted to be tolerated by in silico analysis. Based on the available evidence, the clinical significance of this variant remains unclear.

Labcorp Genetics (formerly Invitae), Labcorp
Classification: Uncertain significance for Hereditary cancer-predisposing syndrome. Last evaluated: 2021-10-23. Review status: criteria provided, single submitter. Criteria: Invitae Variant Classification Sherloc (09022015). Collection method: clinical testing. Allele origin: germline.
Comment: Algorithms developed to predict the effect of missense changes on protein structure and function are either unavailable or do not agree on the potential impact of this missense change (SIFT: "Tolerated"; PolyPhen-2: "Possibly Damaging"; Align-GVGD: "Class C0"). This sequence change replaces leucine with isoleucine at codon 31 of the RAD50 protein (p.Leu31Ile). The leucine residue is moderately conserved and there is a small physicochemical difference between leucine and isoleucine. This variant is not present in population databases (ExAC no frequency). This variant has not been reported in the literature in individuals affected with RAD50-related conditions. In summary, the available evidence is currently insufficient to determine the role of this variant in disease. Therefore, it has been classified as a Variant of Uncertain Significance.

NM_005732.4(RAD50):c.91C>A (p.Leu31Ile)

Gene: RAD50 (RAD50 double strand break repair protein; plus strand). Cytogenetic location: 5q31.1.
Variant type: single nucleotide variant.
Coding change: c.91C>A on transcript NM_005732.4 (MANE Select); coding-DNA position 91, C replaced by A.
Protein change: p.Leu31Ile; replaces leucine 31 with isoleucine.
Molecular consequence: missense variant.
Genome position (GRCh38, 1-based): chr5:132,557,415, C>A. VCF-style: chr5-132557415-C-A. GRCh37 (hg19) VCF-style: chr5-131893107-C-A.
Other names: c.91C>A (NM_005732.3); short protein forms L31I.
Identifiers: ClinVar variation 1461602 (VCV001461602.7), dbSNP rs2149830162, ClinGen allele CA360951567.